The following is an entry in ClinVar:

NM_198578.4(LRRK2):c.382A>C (p.Ser128Arg)

Gene: LRRK2 (leucine rich repeat kinase 2; plus strand). Cytogenetic location: 12q12.
Variant type: single nucleotide variant.
Coding change: c.382A>C on transcript NM_198578.4 (MANE Select); coding-DNA position 382, A replaced by C.
Protein change: p.Ser128Arg; replaces serine 128 with arginine.
Molecular consequence: missense variant.
Genome position (GRCh38, 1-based): chr12:40,235,660, A>C. VCF-style: chr12-40235660-A-C. GRCh37 (hg19) VCF-style: chr12-40629462-A-C.
Other names: short protein forms S128R.
Identifiers: ClinVar variation 3292025 (VCV003292025.1).

ClinVar aggregate classification (germline): Uncertain significance (1 of 4 stars; one submission).

Conditions:
Inborn genetic diseases. Identifiers: MedGen C0950123, MeSH D030342.

Submission:

Ambry Genetics
Classification: Uncertain significance for Inborn genetic diseases. Last evaluated: 2024-05-19. Review status: criteria provided, single submitter. Criteria: Ambry Variant Classification Scheme 2023. Collection method: clinical testing. Allele origin: germline.
Comment: The p.S128R variant (also known as c.382A>C), located in coding exon 4 of the LRRK2 gene, results from an A to C substitution at nucleotide position 382. The serine at codon 128 is replaced by arginine, an amino acid with dissimilar properties. This amino acid position is conserved. In addition, this alteration is predicted to be tolerated by in silico analysis. Based on the available evidence, the clinical significance of this variant remains unclear.